The following is an entry in ClinVar:

NM_020706.2(SCAF4):c.2059C>G (p.Pro687Ala)

Gene: SCAF4 (SR-related CTD associated factor 4; minus strand). Cytogenetic location: 21q22.11.
Variant type: single nucleotide variant.
Coding change: c.2059C>G on transcript NM_020706.2 (MANE Select); coding-DNA position 2059, C replaced by G.
Protein change: p.Pro687Ala; replaces proline 687 with alanine.
Molecular consequence: missense variant.
Genome position (GRCh38, 1-based): chr21:31,685,718, G>C on the plus strand (C>G on the coding strand, the complement: SCAF4 is on the minus strand). VCF-style: chr21-31685718-G-C. GRCh37 (hg19) VCF-style: chr21-33058031-G-C.
Other names: c.2014C>G, p.Pro672Ala (NM_001145444.1); c.2059C>G, p.Pro687Ala (NM_001145445.1); short protein forms P672A, P687A.
Identifiers: ClinVar variation 5016868 (VCV005016868.1).
Genomic context (GRCh38, chr21:31,685,718, plus strand): 5'-GTATTCCCAGAGGAGGCGTGAAAGCAGGCGGCTGGAGAGCACCAACTACAGGTGGACCCG[G>C]TTGATGTGGTGGGACCTAGAAAGAAAGATAAAAGAATAAACCACCTATCTAGACACCCTC-3'
Protein context (NP_065757.1, residues 677-697): VPPPQVPPHQ[Pro687Ala]GPPVVGALQP

ClinVar aggregate classification (germline): Uncertain significance (1 of 4 stars; one submission).

Submission:

GeneDx
Classification: Uncertain significance. Last evaluated: 2026-03-30. Review status: criteria provided, single submitter. Criteria: GeneDx Variant Classification Process June 2021. Collection method: clinical testing. Allele origin: germline.
Comment: Not observed at significant frequency in large population cohorts (gnomAD); In silico analysis suggests that this missense variant does not alter protein structure/function; Has not been previously published as pathogenic or benign to our knowledge